The following is an entry in ClinVar:

NC_000003.12:g.169765004A>G

Genes: TERC (telomerase RNA component; minus strand), LOC110806306 (telomerase RNA component (TERC) promoter; plus strand). Cytogenetic location: 3q26.2.
Variant type: single nucleotide variant.
Genome position: GRCh38 VCF-style: chr3-169765004-A-G. GRCh37 (hg19) VCF-style: chr3-169482792-A-G.
Identifiers: ClinVar variation 1024079 (VCV001024079.8), dbSNP rs1777964371, ClinGen allele CA436715931.
Genomic context (GRCh38, chr3:169,765,004, plus strand): 5'-TGAAAGTCAGCGAGAAAAACAGCGCGCGGGGAGCAAAAGCACGGCGCCTACGCCCTTCTC[A>G]GTTAGGGTTAGACAAAAAATGGCCACCACCCCTCCCAGGCCCACCCTCCGCAACCCGGTG-3'

ClinVar aggregate classification (germline): Uncertain significance. Review status: criteria provided, multiple submitters, no conflicts (2 of 4 stars). 2 submissions from 2 submitters: Uncertain significance (2). Last evaluated 2024-12-04.

Conditions:
Dyskeratosis congenita, autosomal dominant 1 (DKCA1). Also called: Dyskeratosis congenita Scoggins type. Identifiers: Orphanet 1775, MedGen C4551974, MONDO:0007485, OMIM 127550. Inheritance: Variable.

Allele frequency attached by ClinVar (database versions not stated): gnomAD exomes below 0.00001.
gnomAD v4.1: 1 of 765,450 alleles (0.00013%); highest among the groups gnomAD compares: Non-Finnish European, 0.00024%; no homozygotes.

Submissions (2):

Labcorp Genetics (formerly Invitae), Labcorp
Classification: Uncertain significance for Dyskeratosis congenita, autosomal dominant 1. Last evaluated: 2024-12-04. Review status: criteria provided, single submitter. Criteria: Invitae Variant Classification Sherloc (09022015). Collection method: clinical testing. Allele origin: germline.
Comment: This variant occurs in the TERC gene, which encodes an RNA molecule that does not result in a protein product. This variant is not present in population databases (gnomAD no frequency). This variant has not been reported in the literature in individuals affected with TERC-related conditions. ClinVar contains an entry for this variant (Variation ID: 1024079). This variant is located within the template/pseudoknot domain of the TERC RNA component, which is required for RNA or RNP stability (PMID: 15082312, 21844345). This variant is located in a region of TERC in which a significant number of disease causing variants have been reported (PMID: 15082312, 21844345, 21931702). These observations suggest that this may be a clinically significant region. In summary, the available evidence is currently insufficient to determine the role of this variant in disease. Therefore, it has been classified as a Variant of Uncertain Significance.

Blueprint Genetics
Classification: Uncertain significance. Last evaluated: 2024-10-18. Review status: criteria provided, single submitter. Criteria: ACMG Guidelines, 2015. Collection method: clinical testing. Allele origin: germline.

Literature cited by the submitters: PubMed 15082312 (cited by Labcorp Genetics (formerly Invitae), Labcorp); PubMed 21844345 (cited by Labcorp Genetics (formerly Invitae), Labcorp); PubMed 21931702 (cited by Labcorp Genetics (formerly Invitae), Labcorp).